The following is an entry in ClinVar:

NM_002662.5(PLD1):c.623T>C (p.Ile208Thr)

Gene: PLD1 (phospholipase D1; minus strand). Cytogenetic location: 3q26.31.
Variant type: single nucleotide variant.
Coding change: c.623T>C on transcript NM_002662.5 (MANE Select); coding-DNA position 623, T replaced by C.
Protein change: p.Ile208Thr; replaces isoleucine 208 with threonine.
Molecular consequence: missense variant.
Genome position (GRCh38, 1-based): chr3:171,726,060, A>G on the plus strand (T>C on the coding strand, the complement: PLD1 is on the minus strand). VCF-style: chr3-171726060-A-G. GRCh37 (hg19) VCF-style: chr3-171443850-A-G.
Other names: c.623T>C, p.Ile208Thr (NM_001130081.3); c.623T>C (NM_002662.4); short protein forms I208T.
Identifiers: ClinVar variation 2118597 (VCV002118597.5), dbSNP rs2474056134, ClinGen allele CA355507162.

ClinVar aggregate classification (germline): Uncertain significance. Review status: criteria provided, multiple submitters, no conflicts (2 of 4 stars). 2 submissions from 2 submitters: Uncertain significance (2). Last evaluated 2025-08-11.

Conditions:
Inborn genetic diseases. Identifiers: MedGen C0950123, MeSH D030342.

Allele frequency attached by ClinVar (database versions not stated): gnomAD exomes below 0.00001.
gnomAD v4.1: 1 of 1,612,406 alleles (0.000062%); highest among the groups gnomAD compares: South Asian, 0.0011%; no homozygotes.

Submissions (2):

Ambry Genetics
Classification: Uncertain significance for Inborn genetic diseases. Last evaluated: 2025-08-11. Review status: criteria provided, single submitter. Criteria: Ambry Variant Classification Scheme 2023. Collection method: clinical testing. Allele origin: germline.

Labcorp Genetics (formerly Invitae), Labcorp
Classification: Uncertain significance. Last evaluated: 2022-03-14. Review status: criteria provided, single submitter. Criteria: Invitae Variant Classification Sherloc (09022015). Collection method: clinical testing. Allele origin: germline.
Comment: In summary, the available evidence is currently insufficient to determine the role of this variant in disease. Therefore, it has been classified as a Variant of Uncertain Significance. Algorithms developed to predict the effect of missense changes on protein structure and function are either unavailable or do not agree on the potential impact of this missense change (SIFT: "Deleterious"; PolyPhen-2: "Benign"; Align-GVGD: "Class C0"). This variant has not been reported in the literature in individuals affected with PLD1-related conditions. This variant is not present in population databases (gnomAD no frequency). This sequence change replaces isoleucine, which is neutral and non-polar, with threonine, which is neutral and polar, at codon 208 of the PLD1 protein (p.Ile208Thr).